The following is an entry in ClinVar:

ClinVar aggregate classification (germline): Likely benign. Review status: criteria provided, multiple submitters, no conflicts (2 of 4 stars). 2 submissions from 2 submitters: Likely benign (2). Last evaluated 2026-07-01.

Allele frequency attached by ClinVar (database versions not stated): ExAC 0.00052; gnomAD exomes 0.00054 and 0.00081; TOPMed 0.00065; gnomAD 0.00066 and 0.00071; ESP Exome Variant Server 0.00110.

Submissions (2):

CeGaT Center for Human Genetics Tuebingen
Classification: Likely benign. Last evaluated: 2026-07-01. Review status: criteria provided, single submitter. Criteria: CeGaT Center For Human Genetics Tuebingen Variant Classification Criteria Version 2. Collection method: clinical testing. Allele origin: germline. Affected: yes. Observed: 4 variant alleles.
Comment: MED13: BP4, BS1

Labcorp Genetics (formerly Invitae), Labcorp
Classification: Likely benign. Last evaluated: 2017-12-13. Review status: criteria provided, single submitter. Criteria: Invitae Variant Classification Sherloc (09022015). Collection method: clinical testing. Allele origin: germline.

NM_005121.3(MED13):c.5623+7T>C

Gene: MED13 (mediator complex subunit 13; minus strand). Cytogenetic location: 17q23.2.
Variant type: single nucleotide variant.
Coding change: c.5623+7T>C on transcript NM_005121.3 (MANE Select); 7 bases into the intron after coding-DNA position 5623, T replaced by C.
Molecular consequence: intron variant.
Genome position (GRCh38, 1-based): chr17:61,956,332, A>G on the plus strand (T>C on the coding strand, the complement: MED13 is on the minus strand). VCF-style: chr17-61956332-A-G. GRCh37 (hg19) VCF-style: chr17-60033693-A-G.
Identifiers: ClinVar variation 735243 (VCV000735243.35), dbSNP rs370060280, ClinGen allele CA8692117.